The following is an entry in ClinVar:

ClinVar aggregate classification (germline): Uncertain significance (1 of 4 stars; one submission).

Conditions:
Osteogenesis imperfecta type I (OI1). Also called: Lobstein's Disease; Lobstein disease; OI, TYPE I; OSTEOGENESIS IMPERFECTA TARDA; OSTEOGENESIS IMPERFECTA WITH BLUE SCLERAE; Osteogenesis imperfecta type 1. Identifiers: Orphanet 216796, Orphanet 666, MedGen C0023931, MONDO:0008146, OMIM 166200. Disease mechanism: loss of function.

Submission:

Labcorp Genetics (formerly Invitae), Labcorp
Classification: Uncertain significance for Osteogenesis imperfecta type I. Last evaluated: 2024-05-27. Review status: criteria provided, single submitter. Criteria: Invitae Variant Classification Sherloc (09022015). Collection method: clinical testing. Allele origin: germline.
Comment: This sequence change replaces arginine, which is basic and polar, with histidine, which is basic and polar, at codon 1168 of the COL1A1 protein (p.Arg1168His). This variant is present in population databases (no rsID available, gnomAD 0.005%). This variant has not been reported in the literature in individuals affected with COL1A1-related conditions. Advanced modeling of protein sequence and biophysical properties (such as structural, functional, and spatial information, amino acid conservation, physicochemical variation, residue mobility, and thermodynamic stability) performed at Invitae indicates that this missense variant is expected to disrupt COL1A1 protein function with a positive predictive value of 95%. In summary, the available evidence is currently insufficient to determine the role of this variant in disease. Therefore, it has been classified as a Variant of Uncertain Significance.

NM_000088.4(COL1A1):c.3503G>A (p.Arg1168His)

Gene: COL1A1 (collagen type I alpha 1 chain; minus strand). Cytogenetic location: 17q21.33.
Variant type: single nucleotide variant.
Coding change: c.3503G>A on transcript NM_000088.4 (MANE Select); coding-DNA position 3503, G replaced by A.
Protein change: p.Arg1168His; replaces arginine 1168 with histidine.
Molecular consequence: missense variant.
Genome position (GRCh38, 1-based): chr17:50,187,043, C>T on the plus strand (G>A on the coding strand, the complement: COL1A1 is on the minus strand). VCF-style: chr17-50187043-C-T. GRCh37 (hg19) VCF-style: chr17-48264404-C-T.
Other names: short protein forms R1168H.
Identifiers: ClinVar variation 3709831 (VCV003709831.2).